The following is an entry in ClinVar:

ClinVar aggregate classification (germline): Pathogenic (1 of 4 stars; one submission).

Conditions:
Primary ciliary dyskinesia. Also called: Ciliary dyskinesia. Identifiers: Orphanet 244, MedGen C0008780, MONDO:0016575, HP:0012265.

Submission:

Labcorp Genetics (formerly Invitae), Labcorp
Classification: Pathogenic for Primary ciliary dyskinesia. Last evaluated: 2019-11-09. Review status: criteria provided, single submitter. Criteria: Invitae Variant Classification Sherloc (09022015). Collection method: clinical testing. Allele origin: germline.
Comment: This sequence change creates a premature translational stop signal (p.Gln1087*) in the DNAH5 gene. It is expected to result in an absent or disrupted protein product. For these reasons, this variant has been classified as Pathogenic. Loss-of-function variants in DNAH5 are known to be pathogenic (PMID: 11788826, 16627867). This variant has not been reported in the literature in individuals with DNAH5-related conditions. This variant is not present in population databases (ExAC no frequency).

Literature cited by the submitters: PubMed 11788826; PubMed 16627867.

NM_001369.3(DNAH5):c.3259C>T (p.Gln1087Ter)

Genes: DNAH5 (dynein axonemal heavy chain 5; minus strand), DNAH5-AS1 (DNAH5 antisense RNA 1; plus strand). Cytogenetic location: 5p15.2.
Variant type: single nucleotide variant.
Coding change: c.3259C>T on transcript NM_001369.3 (MANE Select); coding-DNA position 3259, C replaced by T.
Protein change: p.Gln1087Ter; replaces glutamine 1087 with a stop codon.
Molecular consequence: nonsense.
Genome position (GRCh38, 1-based): chr5:13,882,731, G>A on the plus strand (C>T on the coding strand, the complement: DNAH5 is on the minus strand). VCF-style: chr5-13882731-G-A. GRCh37 (hg19) VCF-style: chr5-13882840-G-A.
Other names: short protein forms Q1087*.
Identifiers: ClinVar variation 959237 (VCV000959237.8), dbSNP rs1771846004, ClinGen allele CA359191605.
Genomic context (GRCh38, chr5:13,882,731, plus strand): 5'-AAGCTCAATGAATGTTGATTTACAATGCCTCTTTTAAAAGACTAAAAGAACATTTACCTT[G>A]AAGTTCATTTTCTCCCATTTCAACATCAGAATCACTGTCTTCATTACTCTGCAAAGCAGC-3'